The following is an entry in ClinVar:

NC_000014.8:g.(?_35465916)_(35498358_?)del

Gene: SRP54 (signal recognition particle 54; plus strand). Cytogenetic location: 14q13.2.
Variant type: Deletion.
Identifiers: ClinVar variation 3244082 (VCV003244082.1).

ClinVar aggregate classification (germline): Uncertain significance (1 of 4 stars; one submission).

Submission:

Labcorp Genetics (formerly Invitae), Labcorp
Classification: Uncertain significance. Last evaluated: 2023-05-15. Review status: criteria provided, single submitter. Criteria: Invitae Variant Classification Sherloc (09022015). Collection method: clinical testing. Allele origin: unknown.
Comment: In summary, the available evidence is currently insufficient to determine the role of this variant in disease. Therefore, it has been classified as a Variant of Uncertain Significance. This variant has not been reported in the literature in individuals affected with SRP54-related conditions. A gross deletion of the genomic region encompassing the full coding sequence of the SRP54 gene has been identified. The current clinical and genetic evidence is not sufficient to establish whether loss-of-function variants in SRP54 cause disease. The boundaries of this event are unknown as they extend beyond the assayed region for this gene and therefore may encompass additional genes.